The following is an entry in ClinVar:

NM_213599.3(ANO5):c.331A>C (p.Thr111Pro)

Gene: ANO5 (anoctamin 5; plus strand). Cytogenetic location: 11p14.3.
Variant type: single nucleotide variant.
Coding change: c.331A>C on transcript NM_213599.3 (MANE Select); coding-DNA position 331, A replaced by C.
Protein change: p.Thr111Pro; replaces threonine 111 with proline.
Molecular consequence: missense variant.
Genome position (GRCh38, 1-based): chr11:22,226,020, A>C. VCF-style: chr11-22226020-A-C. GRCh37 (hg19) VCF-style: chr11-22247566-A-C.
Other names: c.328A>C, p.Thr110Pro (NM_001142649.2); short protein forms T111P, T110P.
Identifiers: ClinVar variation 289647 (VCV000289647.13), dbSNP rs778956037, ClinGen allele CA5922887.
Genomic context (GRCh38, chr11:22,226,020, plus strand): 5'-TCTGTTGATTTTTTTTTGTCATAGGAAAGAAGAAAAGAGTTTGAAACTAATCTCAGAAAA[A>C]CAGGTCTTGAGTTGGAAATAGAAGACAAAAGGGTAAATGTAGTTGATAATTTATACAAGC-3'
Protein context (NP_998764.1, residues 101-121): RKEFETNLRK[Thr111Pro]GLELEIEDKR

ClinVar aggregate classification (germline): Uncertain significance. Review status: criteria provided, multiple submitters, no conflicts (2 of 4 stars). 2 submissions from 2 submitters: Uncertain significance (2). Last evaluated 2025-12-19.

Conditions:
Autosomal recessive limb-girdle muscular dystrophy type 2L (LGMDR12). Also called: Limb-girdle muscular dystrophy, type 2L; Limb-Girdle Muscular Dystrophy R12 Anoctamin-5-Related (LGMD-R12); MUSCULAR DYSTROPHY, LIMB-GIRDLE, AUTOSOMAL RECESSIVE 12. Identifiers: Orphanet 206549, MedGen C1969785, MONDO:0012652, OMIM 611307.
Gnathodiaphyseal dysplasia (GDD). Also called: GNATHODIAPHYSEAL SCLEROSIS; OSTEOGENESIS IMPERFECTA WITH UNUSUAL SKELETAL LESIONS. Identifiers: Orphanet 53697, MedGen C1833736, MONDO:0008151, OMIM 166260.

Allele frequency attached by ClinVar (database versions not stated): ExAC 0.00001; gnomAD 0.00001; gnomAD exomes 0.00001 and 0.00002; TOPMed 0.00001.

Submissions (2):

Labcorp Genetics (formerly Invitae), Labcorp
Classification: Uncertain significance for Autosomal recessive limb-girdle muscular dystrophy type 2L; Gnathodiaphyseal dysplasia. Last evaluated: 2025-12-19. Review status: criteria provided, single submitter. Criteria: Invitae Variant Classification Sherloc (09022015). Collection method: clinical testing. Allele origin: germline.
Comment: This sequence change replaces threonine, which is neutral and polar, with proline, which is neutral and non-polar, at codon 111 of the ANO5 protein (p.Thr111Pro). This variant is present in population databases (rs778956037, gnomAD 0.01%). This missense change has been observed in individual(s) with clinical suspicion of limb-girdle muscular dystrophy (PMID: 30564623). ClinVar contains an entry for this variant (Variation ID: 289647). Invitae Evidence Modeling of protein sequence and biophysical properties (such as structural, functional, and spatial information, amino acid conservation, physicochemical variation, residue mobility, and thermodynamic stability) has been performed for this missense variant. However, the output from this modeling did not meet the statistical confidence thresholds required to predict the impact of this variant on ANO5 protein function. In summary, the available evidence is currently insufficient to determine the role of this variant in disease. Therefore, it has been classified as a Variant of Uncertain Significance.

Eurofins Ntd Llc (ga)
Classification: Uncertain significance. Last evaluated: 2016-08-18. Review status: criteria provided, single submitter. Criteria: EGL Classification Definitions 2015. Collection method: clinical testing. Allele origin: germline. Observed: 1 variant allele, 1 heterozygote.

Literature cited by the submitters: PubMed 30564623 (cited by Labcorp Genetics (formerly Invitae), Labcorp).